The following is an entry in ClinVar:

ClinVar aggregate classification (germline): Uncertain significance (1 of 4 stars; one submission).

Allele frequency attached by ClinVar (database versions not stated): TOPMed 0.00002.
gnomAD v4.1: 49 of 1,613,850 alleles (0.003%); highest among the groups gnomAD compares: South Asian, 0.015%; no homozygotes.

Submission:

Labcorp Genetics (formerly Invitae), Labcorp
Classification: Uncertain significance. Last evaluated: 2022-06-13. Review status: criteria provided, single submitter. Criteria: Invitae Variant Classification Sherloc (09022015). Collection method: clinical testing. Allele origin: germline.
Comment: In summary, the available evidence is currently insufficient to determine the role of this variant in disease. Therefore, it has been classified as a Variant of Uncertain Significance. Algorithms developed to predict the effect of missense changes on protein structure and function are either unavailable or do not agree on the potential impact of this missense change (SIFT: "Tolerated"; PolyPhen-2: "Probably Damaging"; Align-GVGD: "Class C0"). This variant has not been reported in the literature in individuals affected with LTBP2-related conditions. This variant is present in population databases (rs529121096, gnomAD 0.01%). This sequence change replaces arginine, which is basic and polar, with glutamine, which is neutral and polar, at codon 1002 of the LTBP2 protein (p.Arg1002Gln).

NM_000428.3(LTBP2):c.3005G>A (p.Arg1002Gln)

Gene: LTBP2 (latent transforming growth factor beta binding protein 2; minus strand). Cytogenetic location: 14q24.3.
Variant type: single nucleotide variant.
Coding change: c.3005G>A on transcript NM_000428.3 (MANE Select); coding-DNA position 3005, G replaced by A.
Protein change: p.Arg1002Gln; replaces arginine 1002 with glutamine.
Molecular consequence: missense variant.
Genome position (GRCh38, 1-based): chr14:74,511,268, C>T on the plus strand (G>A on the coding strand, the complement: LTBP2 is on the minus strand). VCF-style: chr14-74511268-C-T. GRCh37 (hg19) VCF-style: chr14-74977971-C-T.
Other names: short protein forms R1002Q.
Identifiers: ClinVar variation 2414828 (VCV002414828.5), dbSNP rs529121096, ClinGen allele CA7269327.
Genomic context (GRCh38, chr14:74,511,268, plus strand): 5'-GAATGGCTGGCTCAGTGCCTTGGCCAGCAGCCCTCACCTACACAGCTCCCACTCTGGCCC[C>T]GGTAGCCCTCCTCACAGGCCAGACAAGTGTAGGAGCCAGGGGAATTGACGCATCTCCCAT-3'
Protein context (NP_000419.1, residues 992-1012): YTCLACEEGY[Arg1002Gln]GQSGSCVDVN